The following is an entry in ClinVar:

ClinVar aggregate classification (germline): Benign/Likely benign. Review status: criteria provided, multiple submitters, no conflicts (2 of 4 stars). 3 submissions from 3 submitters: Benign (1); Likely benign (2). Last evaluated 2024-10-14.

Conditions:
Hereditary diffuse gastric adenocarcinoma (HDGC). Also called: DIFFUSE GASTRIC AND LOBULAR BREAST CANCER SYNDROME. Identifiers: Orphanet 26106, MedGen C1708349, MONDO:0007648, OMIM 137215.
Hereditary cancer-predisposing syndrome. Also called: Tumor predisposition; Neoplastic Syndromes, Hereditary; Hereditary Cancer Syndrome; Hereditary neoplastic syndrome. Identifiers: Orphanet 140162, MedGen C0027672, MeSH D009386, MONDO:0015356.

Allele frequency attached by ClinVar (database versions not stated): TOPMed below 0.00001; ExAC 0.00001; ESP Exome Variant Server 0.00008.

Submissions (3):

Myriad Genetics, Inc.
Classification: Benign for Hereditary diffuse gastric adenocarcinoma. Last evaluated: 2024-10-14. Review status: criteria provided, single submitter. Criteria: Myriad Autosomal Dominant, Autosomal Recessive and X-Linked Classification Criteria (2023). Collection method: clinical testing. Allele origin: unknown.
Comment: This variant is considered benign. This variant is a silent/synonymous amino acid change and it is not expected to impact splicing.

Labcorp Genetics (formerly Invitae), Labcorp
Classification: Likely benign. Last evaluated: 2024-05-14. Review status: criteria provided, single submitter. Criteria: Invitae Variant Classification Sherloc (09022015). Collection method: clinical testing. Allele origin: germline.

Ambry Genetics
Classification: Likely benign for Hereditary cancer-predisposing syndrome. Last evaluated: 2019-12-25. Review status: criteria provided, single submitter. Criteria: Ambry Variant Classification Scheme 2023. Collection method: clinical testing. Allele origin: germline.

NM_001903.5(CTNNA1):c.2085G>A (p.Lys695=)

Gene: CTNNA1 (catenin alpha 1; plus strand). Cytogenetic location: 5q31.2.
Variant type: single nucleotide variant.
Coding change: c.2085G>A on transcript NM_001903.5 (MANE Select); coding-DNA position 2085, G replaced by A.
Protein change: p.Lys695=; no amino-acid change (lysine 695 retained).
Molecular consequence: synonymous variant.
Genome position (GRCh38, 1-based): chr5:138,930,547, G>A. VCF-style: chr5-138930547-G-A. GRCh37 (hg19) VCF-style: chr5-138266236-G-A.
Other names: c.2085G>A, p.Lys695= (NM_001290307.3, NM_001323982.2, NM_001323983.1 and 2 more transcripts); c.1776G>A, p.Lys592= (NM_001290309.3); c.1716G>A, p.Lys572= (NM_001290310.3); c.975G>A, p.Lys325= (NM_001290312.1, NM_001323987.1, NM_001323988.1 and 17 more transcripts); c.1992G>A, p.Lys664= (NM_001323986.2); c.636G>A, p.Lys212= (NM_001324006.1, NM_001324007.1, NM_001324008.1 and 2 more transcripts); c.882G>A, p.Lys294= (NM_001324011.1); c.732G>A, p.Lys244= (NM_001324012.1, NM_001324013.1).
Identifiers: ClinVar variation 1785632 (VCV001785632.8), dbSNP rs373266553, ClinGen allele CA3432116.